The following is an entry in ClinVar:

NM_002474.3(MYH11):c.1214G>A (p.Arg405Gln)

Gene: MYH11 (myosin heavy chain 11; minus strand). Cytogenetic location: 16p13.11.
Variant type: single nucleotide variant.
Coding change: c.1214G>A on transcript NM_002474.3 (MANE Select); coding-DNA position 1214, G replaced by A.
Protein change: p.Arg405Gln; replaces arginine 405 with glutamine.
Molecular consequence: missense variant.
Genome position (GRCh38, 1-based): chr16:15,760,574, C>T on the plus strand (G>A on the coding strand, the complement: MYH11 is on the minus strand). VCF-style: chr16-15760574-C-T. GRCh37 (hg19) VCF-style: chr16-15854431-C-T.
Other names: c.1235G>A, p.Arg412Gln (NM_001040113.2, NM_001040114.2); c.1214G>A, p.Arg405Gln (NM_022844.3); short protein forms R405Q, R412Q.
Identifiers: ClinVar variation 850703 (VCV000850703.10), dbSNP rs748165862, ClinGen allele CA7922674.

ClinVar aggregate classification (germline): Uncertain significance. Review status: criteria provided, multiple submitters, no conflicts (2 of 4 stars). 2 submissions from 2 submitters: Uncertain significance (2). Last evaluated 2023-08-15.

Conditions:
Aortic aneurysm, familial thoracic 4 (AAT4). Also called: AORTIC ANEURYSM/AORTIC DISSECTION AND PATENT DUCTUS ARTERIOSUS. Identifiers: MedGen C1851504, MONDO:0007568, OMIM 132900.
Familial thoracic aortic aneurysm and aortic dissection (TAAD). Also called: Thoracic aortic aneurysms and dissections. Identifiers: Orphanet 91387, MedGen C4707243, MONDO:0019625.

Allele frequency attached by ClinVar (database versions not stated): gnomAD exomes below 0.00001 and 0.00001; ExAC 0.00001.

Submissions (2):

All of Us Research Program, National Institutes of Health
Classification: Uncertain significance for Familial thoracic aortic aneurysm and aortic dissection. Last evaluated: 2023-08-15. Review status: criteria provided, single submitter. Criteria: ACMG Guidelines, 2015. Collection method: clinical testing. Allele origin: germline. Inheritance: Autosomal dominant inheritance. Observed: 1 variant allele, 1 heterozygote.
Comment: This study involves interpretation of variants in research participants for the purpose of population health screening. Participant phenotype was not available at the time of variant classification. Additional details can be found in publication PMID: 35346344, PMCID: PMC8962531

Labcorp Genetics (formerly Invitae), Labcorp
Classification: Uncertain significance for Aortic aneurysm, familial thoracic 4. Last evaluated: 2022-07-17. Review status: criteria provided, single submitter. Criteria: Invitae Variant Classification Sherloc (09022015). Collection method: clinical testing. Allele origin: germline.
Comment: Algorithms developed to predict the effect of missense changes on protein structure and function are either unavailable or do not agree on the potential impact of this missense change (SIFT: "Deleterious"; PolyPhen-2: "Probably Damaging"; Align-GVGD: "Class C0"). ClinVar contains an entry for this variant (Variation ID: 850703). This variant has not been reported in the literature in individuals affected with MYH11-related conditions. This variant is present in population databases (rs748165862, gnomAD 0.006%). This sequence change replaces arginine, which is basic and polar, with glutamine, which is neutral and polar, at codon 412 of the MYH11 protein (p.Arg412Gln). In summary, the available evidence is currently insufficient to determine the role of this variant in disease. Therefore, it has been classified as a Variant of Uncertain Significance.